The following is an entry in ClinVar:

NM_001013838.3(CARMIL2):c.1181C>T (p.Thr394Ile)

Gene: CARMIL2 (capping protein regulator and myosin 1 linker 2; plus strand). Cytogenetic location: 16q22.1.
Variant type: single nucleotide variant.
Coding change: c.1181C>T on transcript NM_001013838.3 (MANE Select); coding-DNA position 1181, C replaced by T.
Protein change: p.Thr394Ile; replaces threonine 394 with isoleucine.
Molecular consequence: missense variant. On other transcripts: intron variant (1).
Genome position (GRCh38, 1-based): chr16:67,648,161, C>T. VCF-style: chr16-67648161-C-T. GRCh37 (hg19) VCF-style: chr16-67682064-C-T.
Other names: c.1149+32C>T (NM_001317026.3); short protein forms T394I.
Identifiers: ClinVar variation 1443802 (VCV001443802.5), dbSNP rs781641510, ClinGen allele CA8113364.
Genomic context (GRCh38, chr16:67,648,161, plus strand): 5'-TCGCAGGCACCGACACTGCCCTGGACACTGTGAGGGGGTGCTCCGTGGGGGGATGGATGA[C>T]CGGCAGGGCGGACTGGAGGGCGGGACGGGGAGGGCTCGGTCCCCCCGCGGGTGTAGCCAA-3'
Protein context (NP_001013860.1, residues 384-404): VRGCSVGGWM[Thr394Ile]GRADWRAGRG

ClinVar aggregate classification (germline): Uncertain significance (1 of 4 stars; one submission).

gnomAD v4.1: 8 of 1,611,530 alleles (0.0005%); highest among the groups gnomAD compares: Non-Finnish European, 0.00068%; no homozygotes.

Submission:

Labcorp Genetics (formerly Invitae), Labcorp
Classification: Uncertain significance. Last evaluated: 2022-08-16. Review status: criteria provided, single submitter. Criteria: Invitae Variant Classification Sherloc (09022015). Collection method: clinical testing. Allele origin: germline.
Comment: This sequence change replaces threonine, which is neutral and polar, with isoleucine, which is neutral and non-polar, at codon 394 of the CARMIL2 protein (p.Thr394Ile). This variant is present in population databases (rs781641510, gnomAD 0.004%). This variant has not been reported in the literature in individuals affected with CARMIL2-related conditions. ClinVar contains an entry for this variant (Variation ID: 1443802). Algorithms developed to predict the effect of missense changes on protein structure and function output the following: SIFT: "Tolerated"; PolyPhen-2: "Benign"; Align-GVGD: "Class C0". The isoleucine amino acid residue is found in multiple mammalian species, which suggests that this missense change does not adversely affect protein function. In summary, the available evidence is currently insufficient to determine the role of this variant in disease. Therefore, it has been classified as a Variant of Uncertain Significance.